The following is an entry in ClinVar:

NM_000179.3(MSH6):c.1480G>T (p.Ala494Ser)

Gene: MSH6 (mutS homolog 6; plus strand). Cytogenetic location: 2p16.3.
Variant type: single nucleotide variant.
Coding change: c.1480G>T on transcript NM_000179.3 (MANE Select); coding-DNA position 1480, G replaced by T.
Protein change: p.Ala494Ser; replaces alanine 494 with serine.
Molecular consequence: missense variant.
Genome position (GRCh38, 1-based): chr2:47,799,463, G>T. VCF-style: chr2-47799463-G-T. GRCh37 (hg19) VCF-style: chr2-48026602-G-T.
Other names: c.1090G>T, p.Ala364Ser (NM_001281492.2); c.574G>T, p.Ala192Ser (NM_001281493.2, NM_001281494.2); short protein forms A494S, A364S, A192S.
Identifiers: ClinVar variation 410487 (VCV000410487.26), dbSNP rs758699749, ClinGen allele CA067740.
Genomic context (GRCh38, chr2:47,799,463, plus strand): 5'-GTGCAGAAGGGCTATAAAGTAGCACGAGTGGAACAGACTGAGACTCCAGAAATGATGGAG[G>T]CACGATGTAGAAAGATGGCACATATATCCAAGTATGATAGAGTGGTGAGGAGGGAGATCT-3'
Protein context (NP_000170.1, residues 484-504): EQTETPEMME[Ala494Ser]RCRKMAHISK

ClinVar aggregate classification (germline): Conflicting classifications of pathogenicity. Review status: criteria provided, conflicting classifications (1 of 4 stars). 5 submissions from 5 submitters: Uncertain significance (4); Likely benign (1). Last evaluated 2025-10-03.

Conditions:
Lynch syndrome. Identifiers: Orphanet 144, MedGen C4552100, MONDO:0005835. Disease mechanism: loss of function.
Hereditary nonpolyposis colorectal neoplasms. Identifiers: MedGen C0009405, MeSH D003123.
Hereditary cancer-predisposing syndrome. Also called: Tumor predisposition; Hereditary Cancer Syndrome; Hereditary neoplastic syndrome; Neoplastic Syndromes, Hereditary. Identifiers: Orphanet 140162, MedGen C0027672, MeSH D009386, MONDO:0015356.
Lynch syndrome 5 (LYNCH5). Also called: Hereditary non-polyposis colorectal cancer, type 5; Colorectal cancer, hereditary nonpolyposis, type 5. Identifiers: Orphanet 144, MedGen C1833477, MONDO:0013710, OMIM 614350. Disease mechanism: loss of function.

Allele frequency attached by ClinVar (database versions not stated): gnomAD exomes below 0.00001; ExAC 0.00001.
gnomAD v4.1: 6 of 1,614,138 alleles (0.00037%); highest among the groups gnomAD compares: South Asian, 0.0066%; no homozygotes.

Submissions (5):

Ambry Genetics
Classification: Uncertain significance for Hereditary cancer-predisposing syndrome. Last evaluated: 2025-10-03. Review status: criteria provided, single submitter. Criteria: Ambry Variant Classification Scheme 2023. Collection method: clinical testing. Allele origin: germline.
Comment: The p.A494S variant (also known as c.1480G>T), located in coding exon 4 of the MSH6 gene, results from a G to T substitution at nucleotide position 1480. The alanine at codon 494 is replaced by serine, an amino acid with similar properties. This amino acid position is highly conserved in available vertebrate species. In addition, the in silico prediction for this alteration is inconclusive. Since supporting evidence is limited at this time, the clinical significance of this alteration remains unclear.

Labcorp Genetics (formerly Invitae), Labcorp
Classification: Likely benign for Hereditary nonpolyposis colorectal neoplasms. Last evaluated: 2025-08-13. Review status: criteria provided, single submitter. Criteria: Invitae Variant Classification Sherloc (09022015). Collection method: clinical testing. Allele origin: germline.

Revvity Omics, Revvity
Classification: Uncertain significance. Last evaluated: 2024-12-13. Review status: criteria provided, single submitter. Criteria: ACMG Guidelines, 2015. Collection method: clinical testing. Allele origin: germline.

Color Diagnostics, LLC DBA Color Health
Classification: Uncertain significance for Hereditary cancer-predisposing syndrome. Last evaluated: 2021-11-18. Review status: criteria provided, single submitter. Criteria: ACMG Guidelines, 2015. Collection method: clinical testing. Allele origin: germline.
Comment: This missense variant replaces alanine with serine at codon 494 of the MSH6 protein. Computational prediction is inconclusive regarding the impact of this variant on protein structure and function (internally defined REVEL score threshold 0.5 < inconclusive < 0.7, PMID: 27666373). To our knowledge, functional studies have not been reported for this variant. This variant has not been reported in individuals affected with hereditary cancer in the literature. This variant has been identified in 1/251208 chromosomes in the general population by the Genome Aggregation Database (gnomAD). The available evidence is insufficient to determine the role of this variant in disease conclusively. Therefore, this variant is classified as a Variant of Uncertain Significance.

Neuberg Centre For Genomic Medicine, NCGM
Classification: Uncertain significance for Lynch syndrome 5. Review status: criteria provided, single submitter. Criteria: ACMG Guidelines, 2015. Collection method: clinical testing. Allele origin: germline. Inheritance: Autosomal dominant inheritance. Affected: yes.
Comment: The missense c.1480G>T (p.Ala494Ser) variant in MSH6 gene has not been reported previously as a pathogenic variant nor as a benign variant, to our knowledge. The p.Ala494Ser variant has allele frequency 0.0004% in gnomAD Exomes and is novel (not in any individuals) in 1000 Genomes. This variant has been reported to the ClinVar database as Likely benign / Uncertain Significance. The amino acid change p.Ala494Ser in MSH6 is predicted as conserved by GERP++ and PhyloP across 100 vertebrates. The p.Ala494Ser variant is novel (not in any individuals) in 1000 Genomes. The amino acid Ala at position 494 is changed to a Ser changing protein sequence and it might alter its composition and physico-chemical properties. For these reasons, this variant has been classified as Variant of Uncertain Significance (VUS).